The following is an entry in ClinVar:

ClinVar aggregate classification (germline): Likely benign. Review status: criteria provided, multiple submitters, no conflicts (2 of 4 stars). 3 submissions from 3 submitters: Likely benign (2). 1 of the submissions does not count toward it. Last evaluated 2025-10-14.

Conditions:
FCSK-related disorder. Also called: FCSK-related condition.

Allele frequency attached by ClinVar (database versions not stated): 1000 Genomes Project 30x 0.00031; 1000 Genomes Project 0.00040; ExAC 0.00081; gnomAD 0.00091 and 0.00099; gnomAD exomes 0.00095; TOPMed 0.00099; ESP Exome Variant Server 0.00115.
gnomAD v4.1: 2,626 of 1,613,016 alleles (0.16%); highest among the groups gnomAD compares: Non-Finnish European, 0.21%; 1 homozygote.

Submissions (3):

Labcorp Genetics (formerly Invitae), Labcorp
Classification: Likely benign. Last evaluated: 2025-10-14. Review status: criteria provided, single submitter. Criteria: Invitae Variant Classification Sherloc (09022015). Collection method: clinical testing. Allele origin: germline.

Blueprint Genetics
Classification: Likely benign. Last evaluated: 2024-11-25. Review status: criteria provided, single submitter. Criteria: ACMG Guidelines, 2015. Collection method: clinical testing. Allele origin: germline.

PreventionGenetics, part of Exact Sciences
Classification: Likely benign for FCSK-related condition. Last evaluated: 2019-11-16. Review status: no assertion criteria provided. Collection method: clinical testing. Allele origin: germline. Not counted in ClinVar's aggregate classification.
Comment: This variant is classified as likely benign based on ACMG/AMP sequence variant interpretation guidelines (Richards et al. 2015 PMID: 25741868, with internal and published modifications).

NM_145059.3(FCSK):c.286-9G>A

Gene: FCSK (fucose kinase; plus strand). Cytogenetic location: 16q22.1.
Variant type: single nucleotide variant.
Coding change: c.286-9G>A on transcript NM_145059.3 (MANE Select); 9 bases into the intron before coding-DNA position 286, G replaced by A.
Molecular consequence: intron variant.
Genome position (GRCh38, 1-based): chr16:70,466,123, G>A. VCF-style: chr16-70466123-G-A. GRCh37 (hg19) VCF-style: chr16-70500026-G-A.
Other names: c.286-9G>A (NM_145059.2).
Identifiers: ClinVar variation 1682345 (VCV001682345.11), dbSNP rs201285613, ClinGen allele CA8142841.